The following is an entry in ClinVar:

NM_015175.3(NBEAL2):c.605T>G (p.Leu202Arg)

Gene: NBEAL2 (neurobeachin like 2; plus strand). Cytogenetic location: 3p21.31.
Variant type: single nucleotide variant.
Coding change: c.605T>G on transcript NM_015175.3 (MANE Select); coding-DNA position 605, T replaced by G.
Protein change: p.Leu202Arg; replaces leucine 202 with arginine.
Molecular consequence: missense variant.
Genome position (GRCh38, 1-based): chr3:46,991,267, T>G. VCF-style: chr3-46991267-T-G. GRCh37 (hg19) VCF-style: chr3-47032757-T-G.
Other names: c.584T>G, p.Leu195Arg (NM_001365116.2); short protein forms L195R, L202R.
Identifiers: ClinVar variation 1304415 (VCV001304415.2), dbSNP rs1397926183, ClinGen allele CA352505523.

ClinVar aggregate classification (germline): Uncertain significance (1 of 4 stars; one submission).

Allele frequency attached by ClinVar (database versions not stated): gnomAD exomes below 0.00001.
gnomAD v4.1: 1 of 1,607,824 alleles (0.000062%); highest among the groups gnomAD compares: Non-Finnish European, 0.000085%; no homozygotes.

Submission:

GeneDx
Classification: Uncertain significance. Last evaluated: 2018-12-04. Review status: criteria provided, single submitter. Criteria: GeneDx Variant Classification Process June 2021. Collection method: clinical testing. Allele origin: germline. Affected: yes.
Comment: Not observed in large population cohorts (Lek et al., 2016); In silico analysis, which includes protein predictors and evolutionary conservation, supports a deleterious effect; Has not been previously published as pathogenic or benign to our knowledge